The following is an entry in ClinVar:

ClinVar aggregate classification (germline): Uncertain significance (1 of 4 stars; one submission).

Conditions:
Nephrotic syndrome, type 23. Identifiers: MedGen C5543092, MONDO:0030962, OMIM 619201.

gnomAD v4.1: 18 of 1,613,524 alleles (0.0011%); highest among the groups gnomAD compares: African/African-American, 0.0053%; no homozygotes.

Submission:

Laboratorio de Genetica e Diagnostico Molecular, Hospital Israelita Albert Einstein
Classification: Uncertain significance for Nephrotic syndrome, type 23. Last evaluated: 2023-11-13. Review status: criteria provided, single submitter. Criteria: ACMG Guidelines, 2015. Collection method: clinical testing. Allele origin: germline. Affected: yes.
Comment: ACMG classification criteria: PM2 moderate

NM_018240.7(KIRREL1):c.1907G>A (p.Arg636His)

Gene: KIRREL1 (kirre like nephrin family adhesion molecule 1; plus strand). Cytogenetic location: 1q23.1.
Variant type: single nucleotide variant.
Coding change: c.1907G>A on transcript NM_018240.7 (MANE Select); coding-DNA position 1907, G replaced by A.
Protein change: p.Arg636His; replaces arginine 636 with histidine.
Molecular consequence: missense variant.
Genome position (GRCh38, 1-based): chr1:158,094,753, G>A. VCF-style: chr1-158094753-G-A. GRCh37 (hg19) VCF-style: chr1-158064543-G-A.
Other names: c.1607G>A, p.Arg536His (NM_001286349.2); short protein forms R536H, R636H.
Identifiers: ClinVar variation 4056546 (VCV004056546.1).